The following is an entry in ClinVar:

NM_000059.4(BRCA2):c.7970A>C (p.Lys2657Thr)

Gene: BRCA2 (BRCA2 DNA repair associated; plus strand). Cytogenetic location: 13q13.1.
Variant type: single nucleotide variant.
Coding change: c.7970A>C on transcript NM_000059.4 (MANE Select); coding-DNA position 7970, A replaced by C.
Protein change: p.Lys2657Thr; replaces lysine 2657 with threonine.
Molecular consequence: missense variant.
Genome position (GRCh38, 1-based): chr13:32,362,687, A>C. VCF-style: chr13-32362687-A-C. GRCh37 (hg19) VCF-style: chr13-32936824-A-C.
Other names: NM_000059.4(BRCA2):c.7970A>C; p.Lys2657Thr; short protein forms K2657T.
Identifiers: ClinVar variation 441298 (VCV000441298.15), dbSNP rs1555286874, ClinGen allele CA387747333.

ClinVar aggregate classification (germline): Uncertain significance. Review status: reviewed by expert panel (3 of 4 stars). 3 submissions from 3 submitters: Uncertain significance (1). 2 of the submissions do not count toward it. Last evaluated 2025-05-23.

Conditions:
Hereditary cancer-predisposing syndrome. Also called: Hereditary Cancer Syndrome; Hereditary neoplastic syndrome; Neoplastic Syndromes, Hereditary; Tumor predisposition. Identifiers: Orphanet 140162, MedGen C0027672, MeSH D009386, MONDO:0015356.
Hereditary breast ovarian cancer syndrome. Also called: Hereditary breast and ovarian cancer; Breast and ovarian cancer; Hereditary breast and ovarian cancer syndrome; Hereditary breast and/or ovarian cancer syndrome; BRCA1- and BRCA2-Associated Hereditary Breast and Ovarian Cancer; Hereditary breast and ovarian cancer syndrome (HBOC). Identifiers: Orphanet 145, MedGen C0677776, MeSH D061325, MONDO:0003582. Disease mechanism: loss of function.
BRCA2-related cancer predisposition. Identifiers: MedGen CN377758, MONDO:0700269.

Allele frequency attached by ClinVar (database versions not stated): gnomAD 0.00001.
gnomAD v4.1: 1 of 1,614,028 alleles (0.000062%); highest among the groups gnomAD compares: Admixed American, 0.0017%; no homozygotes.

Submissions (3):

ClinGen ENIGMA BRCA1 and BRCA2 Variant Curation Expert Panel, ClinGen
Classification: Uncertain significance for BRCA2-related cancer predisposition. Last evaluated: 2025-05-23. Review status: reviewed by expert panel. Criteria: CSpec BRCA1/2ACMG Rules Specifications V1.2. Collection method: curation. Allele origin: germline. Inheritance: Autosomal dominant inheritance.
Comment: The c.7970A>C variant in BRCA2 is a missense variant predicted to cause substitution of lysine by threonine at amino acid 2657 (p.(Lys2657Thr)). This BRCA2 missense variant is within a key functional domain. The computational predictor BayesDel (noAF) gives a score of 0.27, indicating that impact on BRCA2 function via protein change is unclear (score range 0.18-0.30) and the SpliceAI score of 0.00 predicts no impact on splicing (score threshold ≤0.1) (no bioinformatic code is applied). Reported by three calibrated studies to exhibit protein function similar to pathogenic control variants (PMID: 38417439, 39779857, 39779848). Multifactorial likelihood ratio analysis using clinically calibrated data produced a combined LR for this variant of 1.49 (based on Family History LR=1.49), which is above the ENIGMA BRCA1/2 VCEP threshold for BP5 (>0.48) and below PP4 (<2.08) (PMID: 31853058). This variant is present in gnomAD v2.1 (exomes only, non-cancer subset) or gnomAD v3.1 (non-cancer subset) but is below the ENIGMA BRCA1/2 VCEP threshold >0.00002 for BS1_Supporting (PM2_Supporting, BS1, and BA1 are not met). In summary, this variant meets the criteria to be classified as a Variant of uncertain significance for BRCA2-related cancer predisposition based on the ACMG/AMP criteria applied as specified by the ENIGMA BRCA1/2 VCEP (PS3).

Ambry Genetics
Classification: Likely pathogenic for Hereditary cancer-predisposing syndrome. Last evaluated: 2025-01-22. Review status: criteria provided, single submitter. Criteria: Ambry Variant Classification Scheme 2023. Collection method: clinical testing. Allele origin: germline. Not counted in ClinVar's aggregate classification.
Comment: The p.K2657T variant (also known as c.7970A>C), located in coding exon 16 of the BRCA2 gene, results from an A to C substitution at nucleotide position 7970. The lysine at codon 2657 is replaced by threonine, an amino acid with similar properties. This variant was non-functional in a homology-directed DNA repair (HDR) assay (Hu C et al. Am J Hum Genet. 2024 Mar;111(3):584-593). This alteration is also predicted to destabilize the local structure and disrupt the protein binding ability of BRCA2 (Yang H et al. Science 2002 Sep;297:1837-48; Marston NJ et al. Mol. Cell. Biol. 1999 Jul;19:4633-42; Ambry internal data) This amino acid position is highly conserved in available vertebrate species. In addition, this alteration is predicted to be deleterious by in silico analysis. Based on the majority of available evidence to date, this variant is likely to be pathogenic.

Labcorp Genetics (formerly Invitae), Labcorp
Classification: Uncertain significance for Hereditary breast ovarian cancer syndrome. Last evaluated: 2022-10-26. Review status: criteria provided, single submitter. Criteria: Invitae Variant Classification Sherloc (09022015). Collection method: clinical testing. Allele origin: germline. Not counted in ClinVar's aggregate classification.
Comment: Advanced modeling performed at Invitae incorporating data from internal and/or published experimental studies (PMID: 33609447) indicates that this missense variant is expected to disrupt BRCA2 function. Experimental studies have shown that this missense change affects BRCA2 function (PMID: 33609447). In summary, the available evidence is currently insufficient to determine the role of this variant in disease. Therefore, it has been classified as a Variant of Uncertain Significance. ClinVar contains an entry for this variant (Variation ID: 441298). This sequence change replaces lysine, which is basic and polar, with threonine, which is neutral and polar, at codon 2657 of the BRCA2 protein (p.Lys2657Thr). This variant is not present in population databases (gnomAD no frequency). This variant has not been reported in the literature in individuals affected with BRCA2-related conditions.

Literature cited by the submitters: PubMed 33609447 (cited by Ambry Genetics and Labcorp Genetics (formerly Invitae), Labcorp); PubMed 38417439 (cited by Ambry Genetics).